The following is an entry in ClinVar:

NM_001130987.2(DYSF):c.3291C>T (p.Phe1097=)

Gene: DYSF (dysferlin; plus strand). Cytogenetic location: 2p13.2.
Variant type: single nucleotide variant.
Coding change: c.3291C>T on transcript NM_001130987.2 (MANE Select); coding-DNA position 3291, C replaced by T.
Protein change: p.Phe1097=; no amino-acid change (phenylalanine 1097 retained).
Molecular consequence: synonymous variant.
Genome position (GRCh38, 1-based): chr2:71,574,260, C>T. VCF-style: chr2-71574260-C-T. GRCh37 (hg19) VCF-style: chr2-71801390-C-T.
Other names: c.3240C>T, p.Phe1080= (NM_001130455.2, NM_001130983.2); c.3195C>T, p.Phe1065= (NM_001130976.2, NM_001130977.2); c.3237C>T, p.Phe1079= (NM_001130978.2, NM_003494.4); c.3330C>T, p.Phe1110= (NM_001130979.2); c.3288C>T, p.Phe1096= (NM_001130980.2, NM_001130981.2); c.3333C>T, p.Phe1111= (NM_001130982.2); c.3198C>T, p.Phe1066= (NM_001130984.2, NM_001130986.2); c.3291C>T, p.Phe1097= (NM_001130985.2).
Identifiers: ClinVar variation 2920078 (VCV002920078.5), dbSNP rs746521151, ClinGen allele CA1706507.

ClinVar aggregate classification (germline): Likely benign. Review status: criteria provided, multiple submitters, no conflicts (2 of 4 stars). 2 submissions from 2 submitters: Likely benign (2). Last evaluated 2026-06-01.

Conditions:
Neuromuscular disease caused by qualitative or quantitative defects of dysferlin. Also called: Qualitative or quantitative defects of dysferlin; Dysferlinopathy. Identifiers: Orphanet 207073, MedGen C2931687, MONDO:0016145.

Allele frequency attached by ClinVar (database versions not stated): TOPMed below 0.00001; ExAC 0.00001; gnomAD exomes 0.00001.
gnomAD v4.1: 3 of 1,614,072 alleles (0.00019%); highest among the groups gnomAD compares: Non-Finnish European, 0.00025%; no homozygotes.

Submissions (2):

CeGaT Center for Human Genetics Tuebingen
Classification: Likely benign. Last evaluated: 2026-06-01. Review status: criteria provided, single submitter. Criteria: CeGaT Center For Human Genetics Tuebingen Variant Classification Criteria Version 2. Collection method: clinical testing. Allele origin: germline. Affected: yes. Observed: 1 variant allele.
Comment: DYSF: BP4, BP7

Labcorp Genetics (formerly Invitae), Labcorp
Classification: Likely benign for Neuromuscular disease caused by qualitative or quantitative defects of dysferlin. Last evaluated: 2024-10-29. Review status: criteria provided, single submitter. Criteria: Invitae Variant Classification Sherloc (09022015). Collection method: clinical testing. Allele origin: germline.